The following is an entry in ClinVar:

NM_004259.7(RECQL5):c.1505G>A (p.Arg502Gln)

Gene: RECQL5 (RecQ like helicase 5; minus strand). Cytogenetic location: 17q25.1.
Variant type: single nucleotide variant.
Coding change: c.1505G>A on transcript NM_004259.7 (MANE Select); coding-DNA position 1505, G replaced by A.
Protein change: p.Arg502Gln; replaces arginine 502 with glutamine.
Molecular consequence: missense variant.
Genome position (GRCh38, 1-based): chr17:75,631,193, C>T on the plus strand (G>A on the coding strand, the complement: RECQL5 is on the minus strand). VCF-style: chr17-75631193-C-T. GRCh37 (hg19) VCF-style: chr17-73627273-C-T.
Other names: short protein forms R502Q.
Identifiers: ClinVar variation 3351036 (VCV003351036.1).

ClinVar aggregate classification (germline): Uncertain significance (0 of 4 stars; one submission).

Conditions:
RECQL5-related disorder. Also called: RECQL5-related condition.

gnomAD v4.1: 87 of 1,613,822 alleles (0.0054%); highest among the groups gnomAD compares: Middle Eastern, 0.099%; no homozygotes.

Submission:

PreventionGenetics, part of Exact Sciences
Classification: Uncertain significance for RECQL5-related condition. Last evaluated: 2024-06-08. Review status: no assertion criteria provided. Collection method: clinical testing. Allele origin: germline.
Comment: The RECQL5 c.1505G>A variant is predicted to result in the amino acid substitution p.Arg502Gln. To our knowledge, this variant has not been reported in the literature. This variant is reported in 0.0065% of alleles in individuals of South Asian descent in gnomAD. At this time, the clinical significance of this variant is uncertain due to the absence of conclusive functional and genetic evidence.